The following is an entry in ClinVar:

NM_000268.4(NF2):c.886-205C>T

Gene: NF2 (NF2, moesin-ezrin-radixin like (MERLIN) tumor suppressor; plus strand). Cytogenetic location: 22q12.2.
Variant type: single nucleotide variant.
Coding change: c.886-205C>T on transcript NM_000268.4 (MANE Select); 205 bases into the intron before coding-DNA position 886, C replaced by T.
Molecular consequence: intron variant.
Genome position (GRCh38, 1-based): chr22:29,668,128, C>T. VCF-style: chr22-29668128-C-T. GRCh37 (hg19) VCF-style: chr22-30064117-C-T.
Other names: c.886-205C>T (NM_016418.5, NM_181832.3, NM_181825.3); c.447+25843C>T (NM_181833.3); c.763-205C>T (NM_181829.3); c.760-205C>T (NM_181828.3); c.637-205C>T (NM_181830.3, NM_181831.3).
Identifiers: ClinVar variation 676989 (VCV000676989.2), dbSNP rs2252472, ClinGen allele CA14937935.

ClinVar aggregate classification (germline): Benign. Review status: criteria provided, multiple submitters, no conflicts (2 of 4 stars). 2 submissions from 2 submitters: Benign (2). Last evaluated 2018-06-18.

Allele frequency attached by ClinVar (database versions not stated): 1000 Genomes Project 0.30132; 1000 Genomes Project 30x 0.30137; TOPMed 0.36775; gnomAD 0.37304 and 0.37694.
gnomAD v4.1: 56,789 of 151,976 alleles (37%); highest among the groups gnomAD compares: Non-Finnish European, 47%; 11,317 homozygotes.

Submissions (2):

GeneDx
Classification: Benign. Last evaluated: 2018-06-18. Review status: criteria provided, single submitter. Criteria: GeneDx Variant Classification (06012015). Collection method: clinical testing. Allele origin: germline. Affected: yes.
Comment: This variant is considered likely benign or benign based on one or more of the following criteria: it is a conservative change, it occurs at a poorly conserved position in the protein, it is predicted to be benign by multiple in silico algorithms, and/or has population frequency not consistent with disease.

Breakthrough Genomics
Classification: Benign. Review status: criteria provided, single submitter. Criteria: ACMG Guidelines, 2015. Collection method: not provided. Allele origin: germline. Inheritance: Autosomal dominant inheritance. Affected: yes.